The following is an entry in ClinVar:

ClinVar aggregate classification (germline): Uncertain significance. Review status: criteria provided, multiple submitters, no conflicts (2 of 4 stars). 2 submissions from 2 submitters: Uncertain significance (2). Last evaluated 2023-04-10.

Conditions:
Cardiomyopathy (CMYO). Also called: Cardiomyopathies. Identifiers: Orphanet 167848, MedGen C0878544, MONDO:0004994, HP:0001638. Inheritance: Various modes of inheritance.

Submissions (2):

All of Us Research Program, National Institutes of Health
Classification: Uncertain significance for Cardiomyopathy. Last evaluated: 2023-04-10. Review status: criteria provided, single submitter. Criteria: ACMG Guidelines, 2015. Collection method: clinical testing. Allele origin: germline. Inheritance: Autosomal dominant inheritance. Observed: 1 variant allele, 1 heterozygote.
Comment: This missense variant replaces leucine with proline at codon 1108 of the MYH7 protein. Computational prediction suggests that this variant may have deleterious impact on protein structure and function (internally defined REVEL score threshold >= 0.7, PMID: 27666373). To our knowledge, functional studies have not been reported for this variant. This variant has not been reported in individuals affected with MYH7-related disorders in the literature. This variant has not been identified in the general population by the Genome Aggregation Database (gnomAD). The available evidence is insufficient to determine the role of this variant in disease conclusively. Therefore, this variant is classified as a Variant of Uncertain Significance.

This study involves interpretation of variants in research participants for the purpose of population health screening. Participant phenotype was not available at the time of variant classification. Additional details can be found in publication PMID: 35346344, PMCID: PMC8962531

Color Diagnostics, LLC DBA Color Health
Classification: Uncertain significance for Cardiomyopathy. Last evaluated: 2022-11-23. Review status: criteria provided, single submitter. Criteria: ACMG Guidelines, 2015. Collection method: clinical testing. Allele origin: germline.
Comment: This missense variant replaces leucine with proline at codon 1108 of the MYH7 protein. Computational prediction suggests that this variant may have deleterious impact on protein structure and function (internally defined REVEL score threshold >= 0.7, PMID: 27666373). To our knowledge, functional studies have not been reported for this variant. This variant has not been reported in individuals affected with MYH7-related disorders in the literature. This variant has not been identified in the general population by the Genome Aggregation Database (gnomAD). The available evidence is insufficient to determine the role of this variant in disease conclusively. Therefore, this variant is classified as a Variant of Uncertain Significance.

NM_000257.4(MYH7):c.3323T>C (p.Leu1108Pro)

Gene: MYH7 (myosin heavy chain 7; minus strand). Cytogenetic location: 14q11.2.
Variant type: single nucleotide variant.
Coding change: c.3323T>C on transcript NM_000257.4 (MANE Select); coding-DNA position 3323, T replaced by C.
Protein change: p.Leu1108Pro; replaces leucine 1108 with proline.
Molecular consequence: missense variant.
Genome position (GRCh38, 1-based): chr14:23,420,971, A>G on the plus strand (T>C on the coding strand, the complement: MYH7 is on the minus strand). VCF-style: chr14-23420971-A-G. GRCh37 (hg19) VCF-style: chr14-23890180-A-G.
Other names: c.3323T>C, p.Leu1108Pro (NM_001407004.1); short protein forms L1108P.
Identifiers: ClinVar variation 2773933 (VCV002773933.3), dbSNP rs2502267915, ClinGen allele CA389044327.